The following is an entry in ClinVar:

NM_144997.7(FLCN):c.1014del (p.Trp338fs)

Gene: FLCN (folliculin; minus strand). Cytogenetic location: 17p11.2.
Variant type: Deletion.
Coding change: c.1014del on transcript NM_144997.7 (MANE Select); coding-DNA position 1014, one base deleted (G; older notation c.1014delG).
Protein change: p.Trp338fs; shifts the reading frame from tryptophan 338.
Molecular consequence: frameshift variant.
Genome position (GRCh38, 1-based): chr17:17,219,067, C deleted on the plus strand (G on the coding strand, the reverse complement: FLCN is on the minus strand); the first of 2 consecutive C bases (chr17:17,219,067-17,219,068); deleting either gives the same sequence. VCF-style (leftmost placement, unchanged base first): chr17-17219066-GC-G. GRCh37 (hg19) VCF-style: chr17-17122380-GC-G.
Other names: p.Trp338Cysfs*15; c.1068del, p.Trp356fs (NM_001353229.2); c.1014del, p.Trp338fs (NM_001353230.2, NM_001353231.2); c.1014del (LRG_325t1); short protein forms W356fs, W338fs.
Identifiers: ClinVar variation 428643 (VCV000428643.13), dbSNP rs1131690830, ClinGen allele CA645369709.

ClinVar aggregate classification (germline): Pathogenic. Review status: criteria provided, multiple submitters, no conflicts (2 of 4 stars). 4 submissions from 4 submitters: Pathogenic (4). Last evaluated 2026-07-08.

Conditions:
Birt-Hogg-Dube syndrome. Also called: Birt Hogg Dubé syndrome. Identifiers: Orphanet 122, MedGen C0346010, MONDO:0800444.
Birt-Hogg-Dube syndrome 1 (BHD1). Also called: FIBROFOLLICULOMAS WITH TRICHODISCOMAS AND ACROCHORDONS. Identifiers: Orphanet 122, MedGen CN375946, MONDO:0800445, OMIM 135150.
Hereditary cancer-predisposing syndrome. Also called: Hereditary Cancer Syndrome; Hereditary neoplastic syndrome; Neoplastic Syndromes, Hereditary; Tumor predisposition. Identifiers: Orphanet 140162, MedGen C0027672, MeSH D009386, MONDO:0015356.

Submissions (4):

Myriad Genetics, Inc.
Classification: Pathogenic for Birt-Hogg-Dube syndrome 1. Last evaluated: 2026-07-08. Review status: criteria provided, single submitter. Criteria: Myriad Autosomal Dominant, Autosomal Recessive and X-Linked Classification Criteria (2023). Collection method: clinical testing. Allele origin: unknown.
Comment: This variant is considered pathogenic. This variant creates a frameshift predicted to result in premature protein truncation.

Labcorp Genetics (formerly Invitae), Labcorp
Classification: Pathogenic for Birt-Hogg-Dube syndrome. Last evaluated: 2025-11-15. Review status: criteria provided, single submitter. Criteria: Invitae Variant Classification Sherloc (09022015). Collection method: clinical testing. Allele origin: germline.
Comment: This sequence change creates a premature translational stop signal (p.Trp338Cysfs*15) in the FLCN gene. It is expected to result in an absent or disrupted protein product. Loss-of-function variants in FLCN are known to be pathogenic (PMID: 15852235). This variant is not present in population databases (gnomAD no frequency). This premature translational stop signal has been observed in individual(s) with clinical features of Birt-Hogg-Dube syndrome (PMID: 15852235). This variant is also known as c.1468delG. ClinVar contains an entry for this variant (Variation ID: 428643). For these reasons, this variant has been classified as Pathogenic.

Ambry Genetics
Classification: Pathogenic for Hereditary cancer-predisposing syndrome. Last evaluated: 2025-07-31. Review status: criteria provided, single submitter. Criteria: Ambry Variant Classification Scheme 2023. Collection method: clinical testing. Allele origin: germline.
Comment: The c.1014delG pathogenic mutation, located in coding exon 6 of the FLCN gene, results from a deletion of one nucleotide at nucleotide position 1014, causing a translational frameshift with a predicted alternate stop codon (p.W338Cfs*15). This variant, also designated c.1468delG, was reported in individual(s) with features consistent with Birt-Hogg-Dube syndrome (Schmidt LS et al. Am J Hum Genet. 2005 Jun;76:1023-33; Ambry internal data). This variant is considered to be rare based on population cohorts in the Genome Aggregation Database (gnomAD). This alteration is expected to result in loss of function by premature protein truncation or nonsense-mediated mRNA decay. As such, this alteration is interpreted as a disease-causing mutation.

Mayo Clinic Laboratories, Mayo Clinic
Classification: Pathogenic. Last evaluated: 2025-06-25. Review status: criteria provided, single submitter. Criteria: ACMG Guidelines, 2015. Collection method: clinical testing. Allele origin: germline. Observed: 1 variant allele.
Comment: PP4, PM2_supporting, PVS1

Literature cited by the submitters: PubMed 15852235 (cited by 3 submitters).